The following is an entry in ClinVar:

ClinVar aggregate classification (germline): Uncertain significance. Review status: criteria provided, multiple submitters, no conflicts (2 of 4 stars). 3 submissions from 3 submitters: Uncertain significance (3). Last evaluated 2025-07-30.

Conditions:
Hereditary cancer-predisposing syndrome. Also called: Neoplastic Syndromes, Hereditary; Tumor predisposition; Hereditary neoplastic syndrome; Hereditary Cancer Syndrome. Identifiers: Orphanet 140162, MedGen C0027672, MeSH D009386, MONDO:0015356.
Familial adenomatous polyposis 1 (FAP1). Also called: POLYPOSIS, ADENOMATOUS INTESTINAL; FAMILIAL ADENOMATOUS POLYPOSIS 1, ATTENUATED. Identifiers: MedGen C2713442, MONDO:0021056, OMIM 175100. Disease mechanism: loss of function.

Submissions (3):

Ambry Genetics
Classification: Uncertain significance for Hereditary cancer-predisposing syndrome. Last evaluated: 2025-07-30. Review status: criteria provided, single submitter. Criteria: Ambry Variant Classification Scheme 2023. Collection method: clinical testing. Allele origin: germline.
Comment: The p.G2006D variant (also known as c.6017G>A), located in coding exon 15 of the APC gene, results from a G to A substitution at nucleotide position 6017. The glycine at codon 2006 is replaced by aspartic acid, an amino acid with similar properties. This amino acid position is highly conserved in available vertebrate species. In addition, in silico predictors for this gene do not accurately predict pathogenicity. Missense alterations in APC are not a common cause of disease (Spier I et al. Genet Med. 2024 Feb;26(2):100992). Based on the available evidence, the clinical significance of this variant remains unclear.

Color Diagnostics, LLC DBA Color Health
Classification: Uncertain significance for Hereditary cancer-predisposing syndrome. Last evaluated: 2024-10-21. Review status: criteria provided, single submitter. Criteria: ACMG Guidelines, 2015. Collection method: clinical testing. Allele origin: germline.
Comment: This missense variant replaces glycine with aspartic acid at codon 2006 of the APC protein. Computational prediction is inconclusive regarding the impact of this variant on protein structure and function (internally defined REVEL score threshold 0.5 < inconclusive < 0.7, PMID: 27666373). To our knowledge, functional studies have not been reported for this variant. This variant has not been reported in individuals affected with APC-related disorders in the literature. This variant has not been identified in the general population by the Genome Aggregation Database (gnomAD). The available evidence is insufficient to determine the role of this variant in disease conclusively. Therefore, this variant is classified as a Variant of Uncertain Significance.

Labcorp Genetics (formerly Invitae), Labcorp
Classification: Uncertain significance for Familial adenomatous polyposis 1. Last evaluated: 2024-08-15. Review status: criteria provided, single submitter. Criteria: Invitae Variant Classification Sherloc (09022015). Collection method: clinical testing. Allele origin: germline.
Comment: This sequence change replaces glycine, which is neutral and non-polar, with aspartic acid, which is acidic and polar, at codon 2006 of the APC protein (p.Gly2006Asp). This variant is not present in population databases (gnomAD no frequency). This variant has not been reported in the literature in individuals affected with APC-related conditions. ClinVar contains an entry for this variant (Variation ID: 629605). Invitae Evidence Modeling of protein sequence and biophysical properties (such as structural, functional, and spatial information, amino acid conservation, physicochemical variation, residue mobility, and thermodynamic stability) indicates that this missense variant is not expected to disrupt APC protein function with a negative predictive value of 95%. In summary, the available evidence is currently insufficient to determine the role of this variant in disease. Therefore, it has been classified as a Variant of Uncertain Significance.

NM_000038.6(APC):c.6017G>A (p.Gly2006Asp)

Gene: APC (APC regulator of Wnt signaling pathway; plus strand). Cytogenetic location: 5q22.2.
Variant type: single nucleotide variant.
Coding change: c.6017G>A on transcript NM_000038.6 (MANE Select); coding-DNA position 6017, G replaced by A.
Protein change: p.Gly2006Asp; replaces glycine 2006 with aspartic acid.
Molecular consequence: missense variant.
Genome position (GRCh38, 1-based): chr5:112,841,611, G>A. VCF-style: chr5-112841611-G-A. GRCh37 (hg19) VCF-style: chr5-112177308-G-A.
Other names: c.6017G>A, p.Gly2006Asp (NM_001127510.3, NM_001354895.2); c.5963G>A, p.Gly1988Asp (NM_001127511.3); c.6071G>A, p.Gly2024Asp (NM_001354896.2); c.6047G>A, p.Gly2016Asp (NM_001354897.2); c.5942G>A, p.Gly1981Asp (NM_001354898.2); c.5933G>A, p.Gly1978Asp (NM_001354899.2); c.5894G>A, p.Gly1965Asp (NM_001354900.2); c.5840G>A, p.Gly1947Asp (NM_001354901.2); and 5 more; short protein forms G2006D, G1988D, G1947D, G1981D, G1723D, G1905D, G1965D, G2016D.
Identifiers: ClinVar variation 629605 (VCV000629605.19), dbSNP rs1561604551, ClinGen allele CA16034499.